The following is an entry in ClinVar:

NM_002224.4(ITPR3):c.2940T>C (p.Asn980=)

Gene: ITPR3 (inositol 1,4,5-trisphosphate receptor type 3; plus strand). Cytogenetic location: 6p21.31.
Variant type: single nucleotide variant.
Coding change: c.2940T>C on transcript NM_002224.4 (MANE Select); coding-DNA position 2940, T replaced by C.
Protein change: p.Asn980=; no amino-acid change (asparagine 980 retained).
Molecular consequence: synonymous variant.
Genome position (GRCh38, 1-based): chr6:33,673,602, T>C. VCF-style: chr6-33673602-T-C. GRCh37 (hg19) VCF-style: chr6-33641379-T-C.
Identifiers: ClinVar variation 1242559 (VCV001242559.4), dbSNP rs1803831, ClinGen allele CA3760769.
Genomic context (GRCh38, chr6:33,673,602, plus strand): 5'-CAGATCAGTCCTCACCCCATCCTCACCTGACCTTTCCTCTCTTCTCCAGTTCATCCTCAA[T>C]GTCCGCCTGGATTACCGCATATCCTACCTGCTGTCTGTCTTCAAGAAGGAGTTTGTGGAG-3'
Protein context (NP_002215.2, residues 970-990): KILEILQFIL[Asn980=]VRLDYRISYL

ClinVar aggregate classification (germline): Benign. Review status: criteria provided, single submitter (1 of 4 stars). 2 submissions from 2 submitters: Benign (1). 1 of the submissions does not count toward it. Last evaluated 2021-03-26.

Conditions:
ITPR3-related disorder. Also called: ITPR3-related condition.

Allele frequency attached by ClinVar (database versions not stated): TOPMed 0.45672; gnomAD 0.45772 and 0.46527; ESP Exome Variant Server 0.45817; 1000 Genomes Project 30x 0.46971; 1000 Genomes Project 0.47504; gnomAD exomes 0.50994 and 0.53436; ExAC 0.51052.
gnomAD v4.1: 851,188 of 1,613,598 alleles (53%); highest among the groups gnomAD compares: South Asian, 60%; 227,494 homozygotes.

Submissions (2):

GeneDx
Classification: Benign. Last evaluated: 2021-03-26. Review status: criteria provided, single submitter. Criteria: GeneDx Variant Classification Process June 2021. Collection method: clinical testing. Allele origin: germline. Affected: yes.

PreventionGenetics, part of Exact Sciences
Classification: Benign for ITPR3-related condition. Last evaluated: 2019-10-17. Review status: no assertion criteria provided. Collection method: clinical testing. Allele origin: germline. Not counted in ClinVar's aggregate classification.
Comment: This variant is classified as benign based on ACMG/AMP sequence variant interpretation guidelines (Richards et al. 2015 PMID: 25741868, with internal and published modifications).